The following is an entry in ClinVar:

ClinVar aggregate classification (germline): Likely pathogenic (1 of 4 stars; one submission).

Conditions:
Gaucher disease. Also called: Acute cerebral Gaucher disease; Cerebroside lipidosis syndrome; Gaucher splenomegaly; Sphingolipidosis 1; Glucocerebrosidosis; Glucosylceramidase deficiency. Identifiers: Orphanet 355, MedGen C0017205, MONDO:0018150.

Submission:

Natera, Inc.
Classification: Likely pathogenic for Gaucher disease. Last evaluated: 2025-11-04. Review status: criteria provided, single submitter. Criteria: Natera Variant Classification Schema (03/2026). Collection method: clinical testing. Allele origin: germline.
Comment: The c.343C>T variant in GBA1 is a nonsense variant predicted to introduce a stop codon at amino acid 115. This variant is expected to result in nonsense mediated decay, truncation, or a dysfunctional protein product. This variant is rare in the general population with a frequency below the threshold expected for the associated phenotype(s). Given the available evidence, this variant is classified as Likely Pathogenic.

NM_000157.4(GBA1):c.343C>T (p.Gln115Ter)

Genes: GBA1 (glucosylceramidase beta 1; minus strand), LOC106627981 (GBA recombination region; plus strand). Cytogenetic location: 1q22.
Variant type: single nucleotide variant.
Coding change: c.343C>T on transcript NM_000157.4 (MANE Select); coding-DNA position 343, C replaced by T.
Protein change: p.Gln115Ter; replaces glutamine 115 with a stop codon.
Molecular consequence: nonsense. On other transcripts: intron variant (1).
Genome position (GRCh38, 1-based): chr1:155,239,727, G>A on the plus strand (C>T on the coding strand, the complement: GBA1 is on the minus strand). VCF-style: chr1-155239727-G-A. GRCh37 (hg19) VCF-style: chr1-155209518-G-A.
Other names: c.343C>T, p.Gln115Ter (NM_001005741.3, NM_001005742.3); c.82C>T, p.Gln28Ter (NM_001171811.2); c.307+159C>T (NM_001171812.2); short protein forms Q115*, Q28*.
Identifiers: ClinVar variation 4817753 (VCV004817753.1).